The following is an entry in ClinVar:

NM_001167.4(XIAP):c.*5331G>A

Gene: XIAP (X-linked inhibitor of apoptosis; plus strand). Cytogenetic location: Xq25.
Variant type: single nucleotide variant.
Coding change: c.*5331G>A on transcript NM_001167.4 (MANE Select); 5331 bases downstream of the stop codon, G replaced by A.
Molecular consequence: 3 prime UTR variant. On other transcripts: non-coding transcript variant (2).
Genome position (GRCh38, 1-based): chrX:123,912,512, G>A. VCF-style: chrX-123912512-G-A. GRCh37 (hg19) VCF-style: chrX-123046362-G-A.
Other names: c.*5331G>A (NM_001204401.2, NM_001378590.1, NM_001378591.1 and 1 more transcripts).
Identifiers: ClinVar variation 913152 (VCV000913152.4), dbSNP rs777622382, ClinGen allele CA10508415.

ClinVar aggregate classification (germline): Benign (1 of 4 stars; one submission).

Conditions:
X-linked lymphoproliferative disease due to XIAP deficiency. Also called: XIAP DEFICIENCY; XIAP-Related Lymphoproliferative Disease, X-Linked. Identifiers: Orphanet 2442, Orphanet 538934, MedGen C1845076, MONDO:0010385, OMIM 300635.

Allele frequency attached by ClinVar (database versions not stated): 1000 Genomes Project 30x 0.00021; gnomAD 0.00027 and 0.00029; TOPMed 0.00033; gnomAD exomes 0.00040 and 0.00086; ExAC 0.00165.

Submission:

Illumina Laboratory Services, Illumina
Classification: Benign for X-linked lymphoproliferative disease due to XIAP deficiency. Last evaluated: 2018-01-12. Review status: criteria provided, single submitter. Criteria: ICSL Variant Classification Criteria 13 December 2019. Collection method: clinical testing. Allele origin: germline.
Comment: This variant was observed in the ICSL laboratory as part of a predisposition screen in an ostensibly healthy population. It had not been previously curated by ICSL or reported in the Human Gene Mutation Database (HGMD: prior to June 1st, 2018), and was therefore a candidate for classification through an automated scoring system. Utilizing variant allele frequency, disease prevalence and penetrance estimates, and inheritance mode, an automated score was calculated to assess if this variant is too frequent to cause the disease. Based on the score and internal cut-off values, a variant classified as benign is not then subjected to further curation. The score for this variant resulted in a classification of benign for this disease.